The following is an entry in ClinVar:

NM_001195553.2(DCX):c.706-2A>G

Gene: DCX (doublecortin; minus strand). Cytogenetic location: Xq23.
Variant type: single nucleotide variant.
Coding change: c.706-2A>G on transcript NM_001195553.2 (MANE Select); the canonical splice acceptor site of the intron before coding-DNA position 706, A replaced by G.
Molecular consequence: splice acceptor variant.
Genome position (GRCh38, 1-based): chrX:111,333,155, T>C on the plus strand (A>G on the coding strand, the complement: DCX is on the minus strand). VCF-style: chrX-111333155-T-C. GRCh37 (hg19) VCF-style: chrX-110576383-T-C.
Other names: c.706-2A>G (NM_001369373.1, NM_178153.3, NM_001369372.1 and 6 more transcripts); c.949-2A>G (NM_000555.3).
Identifiers: ClinVar variation 265096 (VCV000265096.10), dbSNP rs886039339, ClinGen allele CA10588737.

ClinVar aggregate classification (germline): Pathogenic. Review status: criteria provided, multiple submitters, no conflicts (2 of 4 stars). 2 submissions from 2 submitters: Pathogenic (2). Last evaluated 2023-10-19.

Submissions (2):

Labcorp Genetics (formerly Invitae), Labcorp
Classification: Pathogenic. Last evaluated: 2023-10-19. Review status: criteria provided, single submitter. Criteria: Invitae Variant Classification Sherloc (09022015). Collection method: clinical testing. Allele origin: germline.
Comment: This sequence change affects an acceptor splice site in intron 3 of the DCX gene. It is expected to disrupt RNA splicing. Variants that disrupt the donor or acceptor splice site typically lead to a loss of protein function (PMID: 16199547), and loss-of-function variants in DCX are known to be pathogenic (PMID: 11175293, 23365099). This variant is not present in population databases (gnomAD no frequency). Disruption of this splice site has been observed in individual(s) with clinical features of subcortical band heterotopia (Invitae). In at least one individual the variant was observed to be de novo. ClinVar contains an entry for this variant (Variation ID: 265096). Algorithms developed to predict the effect of sequence changes on RNA splicing suggest that this variant may disrupt the consensus splice site. For these reasons, this variant has been classified as Pathogenic.

GeneDx
Classification: Pathogenic. Last evaluated: 2015-05-27. Review status: criteria provided, single submitter. Criteria: GeneDx Variant Classification (06012015). Collection method: clinical testing. Allele origin: germline. Affected: yes.
Comment: The c.706-2 A>G splice site variant in the DCX gene destroys the canonical splice acceptor site in intron 3. It is predicted to cause abnormal gene splicing, either leading to an abnormal message that is subject to nonsense-mediated mRNA decay, or to an abnormal protein product if the message is used for protein translation.

Literature cited by the submitters: PubMed 16199547 (cited by Labcorp Genetics (formerly Invitae), Labcorp); PubMed 11175293 (cited by Labcorp Genetics (formerly Invitae), Labcorp); PubMed 23365099 (cited by Labcorp Genetics (formerly Invitae), Labcorp).